The following is an entry in ClinVar:

ClinVar aggregate classification (germline): Uncertain significance. Review status: criteria provided, multiple submitters, no conflicts (2 of 4 stars). 2 submissions from 2 submitters: Uncertain significance (2). Last evaluated 2025-12-06.

Conditions:
Hereditary cancer-predisposing syndrome. Also called: Neoplastic Syndromes, Hereditary; Hereditary neoplastic syndrome; Tumor predisposition; Hereditary Cancer Syndrome. Identifiers: Orphanet 140162, MedGen C0027672, MeSH D009386, MONDO:0015356.
Bloom syndrome (BLM). Also called: Bloom-Torre-Machacek syndrome. Identifiers: Orphanet 125, MedGen C0005859, MONDO:0008876, OMIM 210900.

Allele frequency attached by ClinVar (database versions not stated): gnomAD exomes below 0.00001; gnomAD 0.00001; 1000 Genomes Project 30x 0.00016; 1000 Genomes Project 0.00020.
gnomAD v4.1: 1 of 1,613,996 alleles (0.000062%); highest among the groups gnomAD compares: East Asian, 0.0022%; no homozygotes.

Submissions (2):

Ambry Genetics
Classification: Uncertain significance for Hereditary cancer-predisposing syndrome. Last evaluated: 2025-12-06. Review status: criteria provided, single submitter. Criteria: Ambry Variant Classification Scheme 2023. Collection method: clinical testing. Allele origin: germline.
Comment: The p.R836G variant (also known as c.2506A>G), located in coding exon 11 of the BLM gene, results from an A to G substitution at nucleotide position 2506. The arginine at codon 836 is replaced by glycine, an amino acid with dissimilar properties. This amino acid position is conserved. In addition, the in silico prediction for this alteration is inconclusive. Since supporting evidence is limited at this time, the clinical significance of this alteration remains unclear.

Labcorp Genetics (formerly Invitae), Labcorp
Classification: Uncertain significance for Bloom syndrome. Last evaluated: 2022-04-15. Review status: criteria provided, single submitter. Criteria: Invitae Variant Classification Sherloc (09022015). Collection method: clinical testing. Allele origin: germline.
Comment: This sequence change replaces arginine, which is basic and polar, with glycine, which is neutral and non-polar, at codon 836 of the BLM protein (p.Arg836Gly). This variant is not present in population databases (gnomAD no frequency). This variant has not been reported in the literature in individuals affected with BLM-related conditions. ClinVar contains an entry for this variant (Variation ID: 524802). Algorithms developed to predict the effect of missense changes on protein structure and function are either unavailable or do not agree on the potential impact of this missense change (SIFT: "Deleterious"; PolyPhen-2: "Probably Damaging"; Align-GVGD: "Class C0"). In summary, the available evidence is currently insufficient to determine the role of this variant in disease. Therefore, it has been classified as a Variant of Uncertain Significance.

NM_000057.4(BLM):c.2506A>G (p.Arg836Gly)

Gene: BLM (BLM RecQ like helicase; plus strand). Cytogenetic location: 15q26.1.
Variant type: single nucleotide variant.
Coding change: c.2506A>G on transcript NM_000057.4 (MANE Select); coding-DNA position 2506, A replaced by G.
Protein change: p.Arg836Gly; replaces arginine 836 with glycine.
Molecular consequence: missense variant.
Genome position (GRCh38, 1-based): chr15:90,769,537, A>G. VCF-style: chr15-90769537-A-G. GRCh37 (hg19) VCF-style: chr15-91312767-A-G.
Other names: c.2506A>G, p.Arg836Gly (NM_001287246.2, NM_001287247.2); c.1381A>G, p.Arg461Gly (NM_001287248.2); short protein forms R836G, R461G.
Identifiers: ClinVar variation 524802 (VCV000524802.6), dbSNP rs577806633, ClinGen allele CA274743555.
Genomic context (GRCh38, chr15:90,769,537, plus strand): 5'-ATGCTTCGCCAGAAGTTTCCTTCTGTTCCGGTGATGGCTCTTACGGCCACAGCTAATCCC[A>G]GGGTACAGAAGGACATCCTGACTCAGCTGAAGATTCTCAGACCTCAGGTGTAAGTTGTTG-3'
Protein context (NP_000048.1, residues 826-846): VMALTATANP[Arg836Gly]VQKDILTQLK